The following is an entry in ClinVar:

ClinVar aggregate classification (germline): Conflicting classifications of pathogenicity. Review status: criteria provided, conflicting classifications (1 of 4 stars). 2 submissions from 2 submitters: Uncertain significance (1); Benign (1). Last evaluated 2018-06-14.

Conditions:
Primary familial hypertrophic cardiomyopathy (HCM). Identifiers: Orphanet 99739, MedGen C0949658, MeSH D024741, MONDO:0024573. Inheritance: Various modes of inheritance.

Allele frequency attached by ClinVar (database versions not stated): TOPMed 0.41713; gnomAD 0.42217 and 0.40774; 1000 Genomes Project 0.33706; 1000 Genomes Project 30x 0.34416.

Submissions (2):

GeneDx
Classification: Benign. Last evaluated: 2018-06-14. Review status: criteria provided, single submitter. Criteria: GeneDx Variant Classification Process June 2021. Collection method: clinical testing. Allele origin: germline. Affected: yes.

Women's Health and Genetics/Laboratory Corporation of America, LabCorp
Classification: Uncertain significance for Hypertrophic Cardiomyopathy. Last evaluated: 2011-08-18. Review status: criteria provided, single submitter. Criteria: LabCorp Variant Classification Summary - May 2015. Collection method: curation. Allele origin: germline. Inheritance: autosomal unknown. Affected: yes.
ClinVar note: Converted during submission from uncertain to Uncertain significance.

NM_000257.4(MYH7):c.3972+62_3972+63insC

Gene: MYH7 (myosin heavy chain 7; minus strand). Cytogenetic location: 14q11.2.
Variant type: Insertion.
Coding change: c.3972+62_3972+63insC on transcript NM_000257.4 (MANE Select); bases 62 to 63 of the intron after coding-DNA position 3972, C inserted.
Molecular consequence: intron variant.
Genome position: GRCh38 VCF-style: chr14-23419114-T-TG. GRCh37 (hg19) VCF-style: chr14-23888323-T-TG.
Identifiers: ClinVar variation 36640 (VCV000036640.4), dbSNP rs34598192, ClinGen allele CA014286.
Genomic context (GRCh38, chr14:23,419,114, plus strand): 5'-TTTAGAATTCTTGGAGAACTGTTGGTCCACAGCCAGCCTTATTGCTGGGAAGGGAAGTGA[T>TG]TTGATGCAAGGCTAGTCAGTGTGCTCCTTGCTTGGGCCAGGTGGCCCGAGTCTAGCCCTT-3'